The following is an entry in ClinVar:

ClinVar aggregate classification (germline): Uncertain significance. Review status: criteria provided, multiple submitters, no conflicts (2 of 4 stars). 7 submissions from 7 submitters: Uncertain significance (6). 1 of the submissions does not count toward it. Last evaluated 2025-12-11.

Conditions:
Fanconi anemia (FA). Also called: Fanconi's anemia. Identifiers: Orphanet 84, MedGen C0015625, MeSH D005199, MONDO:0019391.
FANCM-related disorder. Also called: FANCM-related condition.
Spermatogenic failure 28. Identifiers: MedGen C4748117, MONDO:0054732, OMIM 618086.
Premature ovarian failure 15. Identifiers: MedGen C4748170, MONDO:0054862, OMIM 618096.

Allele frequency attached by ClinVar (database versions not stated): ExAC 0.00022; gnomAD 0.00029 and 0.00032; gnomAD exomes 0.00029; ESP Exome Variant Server 0.00062; TOPMed 0.00030.
gnomAD v4.1: 625 of 1,614,180 alleles (0.039%); highest among the groups gnomAD compares: Non-Finnish European, 0.051%; no homozygotes.

Submissions (7):

GeneDx
Classification: Uncertain significance. Last evaluated: 2025-12-11. Review status: criteria provided, single submitter. Criteria: GeneDx Variant Classification Process June 2021. Collection method: clinical testing. Allele origin: germline. Affected: yes.
Comment: In silico analysis supports that this missense variant has a deleterious effect on protein structure/function; Observed in individuals with ovarian or other cancer as well as in unaffected controls (PMID: 28678401, 28881617); This variant is associated with the following publications: (PMID: 28678401, 27713038, 28881617, 36707629, 33471991, 36551643, 34326862)

Quest Diagnostics Nichols Institute San Juan Capistrano
Classification: Uncertain significance. Last evaluated: 2025-02-11. Review status: criteria provided, single submitter. Criteria: Quest Diagnostics criteria. Collection method: clinical testing. Allele origin: unknown.
Comment: The FANCM c.269C>T (p.Pro90Leu) variant has been reported in the published literature in an individual with polyps (PMID: 34326862 (2021)), in individuals with head and neck squamous cell cancer (PMID: 28678401 (2017)), with ovarian cancer (PMID: 28881617 (2017)), with breast cancer (PMIDs: 36707629 (2023), 36551643 (2022), 33471991 (2021), LOVD), and in reportedly healthy individuals (PMIDs: 36707629 (2023), 28881617 (2017), 33471991 (2021), LOVD). The frequency of this variant in the general population (Genome Aggregation Database) is higher than would generally be expected for pathogenic variants in this gene. Analysis of this variant using bioinformatics tools for the prediction of the effect of amino acid changes on protein structure and function yielded conflicting predictions that this variant is benign or damaging. Based on the available information, we are unable to determine the clinical significance of this variant.

Labcorp Genetics (formerly Invitae), Labcorp
Classification: Uncertain significance for Fanconi anemia. Last evaluated: 2024-11-13. Review status: criteria provided, single submitter. Criteria: Invitae Variant Classification Sherloc (09022015). Collection method: clinical testing. Allele origin: germline.
Comment: This sequence change replaces proline, which is neutral and non-polar, with leucine, which is neutral and non-polar, at codon 90 of the FANCM protein (p.Pro90Leu). This variant is present in population databases (rs142904668, gnomAD 0.06%). This missense change has been observed in individual(s) with head and neck squamous cell carcinoma (PMID: 28678401). ClinVar contains an entry for this variant (Variation ID: 313189). An algorithm developed to predict the effect of missense changes on protein structure and function (PolyPhen-2) suggests that this variant is likely to be disruptive. In summary, the available evidence is currently insufficient to determine the role of this variant in disease. Therefore, it has been classified as a Variant of Uncertain Significance.

Fulgent Genetics
Classification: Uncertain significance for Spermatogenic failure 28; Premature ovarian failure 15. Last evaluated: 2024-04-23. Review status: criteria provided, single submitter. Criteria: ACMG Guidelines, 2015. Collection method: clinical testing. Allele origin: germline.

Institute for Clinical Genetics, University Hospital TU Dresden, University Hospital TU Dresden
Classification: Uncertain significance. Last evaluated: 2021-11-03. Review status: criteria provided, single submitter. Criteria: ACMG Guidelines, 2015. Collection method: clinical testing. Allele origin: germline.

Genetic Services Laboratory, University of Chicago
Classification: Uncertain significance. Last evaluated: 2020-12-15. Review status: criteria provided, single submitter. Criteria: ACMG Guidelines, 2015. Collection method: clinical testing. Allele origin: germline. Affected: no.
Comment: DNA sequence analysis of the FANCM gene demonstrated a sequence change, c.269C>T, in exon 1 that results in an amino acid change, p.Pro90Leu. This sequence change has been previously described in a patient with head and neck squamous cell carcinoma (PMID: 28678401) but no other details are available. It has been described in the gnomAD database with a population frequency of 0.062% in the non-Finnish European subpopulation (dbSNP rs142904668). The p.Pro90Leu change affects a moderately conserved amino acid residue located in a domain of the FANCM protein that is not known to be functional. In-silico pathogenicity prediction tools (SIFT, PolyPhen2, Align GVGD, REVEL) provide contradictory results for the p.Pro90Leu substitution. Due to these contrasting evidences and the lack of functional studies, the clinical significance of the p.Pro90Leu change remains unknown at this time.

PreventionGenetics, part of Exact Sciences
Classification: Uncertain significance for FANCM-related condition. Last evaluated: 2023-11-02. Review status: no assertion criteria provided. Collection method: clinical testing. Allele origin: germline. Not counted in ClinVar's aggregate classification.
Comment: The FANCM c.269C>T variant is predicted to result in the amino acid substitution p.Pro90Leu. This variant was reported in an individual with head and neck squamous cell carcinoma and in another individual with polyps, who also carried a POLE variant (Supplementary Table 3, Chandrasekharappa et al 2017. PubMed ID: 28678401; Table S4, Bhai. 2021. PubMed ID: 34326862), however it was also identified in a control population (Table S7, Dicks et al. 2017. PubMed ID: 28881617). This variant is reported in 0.062% of alleles in individuals of European (Non-Finnish) descent in gnomAD and is interpreted as uncertain in ClinVar. At this time, the clinical significance of this variant is uncertain due to the absence of conclusive functional and genetic evidence.

Literature cited by the submitters: PubMed 37349538 (cited by Quest Diagnostics Nichols Institute San Juan Capistrano); PubMed 28678401 (cited by Quest Diagnostics Nichols Institute San Juan Capistrano and Labcorp Genetics (formerly Invitae), Labcorp); PubMed 33471991 (cited by Quest Diagnostics Nichols Institute San Juan Capistrano); PubMed 34326862 (cited by Quest Diagnostics Nichols Institute San Juan Capistrano); PubMed 36707629 (cited by Quest Diagnostics Nichols Institute San Juan Capistrano); PubMed 36551643 (cited by Quest Diagnostics Nichols Institute San Juan Capistrano); PubMed 28881617 (cited by Quest Diagnostics Nichols Institute San Juan Capistrano).

NM_020937.4(FANCM):c.269C>T (p.Pro90Leu)

Gene: FANCM (FA complementation group M; plus strand). Cytogenetic location: 14q21.2.
Variant type: single nucleotide variant.
Coding change: c.269C>T on transcript NM_020937.4 (MANE Select); coding-DNA position 269, C replaced by T.
Protein change: p.Pro90Leu; replaces proline 90 with leucine.
Molecular consequence: missense variant.
Genome position (GRCh38, 1-based): chr14:45,136,300, C>T. VCF-style: chr14-45136300-C-T. GRCh37 (hg19) VCF-style: chr14-45605503-C-T.
Other names: c.269C>T, p.Pro90Leu (NM_001308133.2, NM_001308134.2); short protein forms P90L.
Identifiers: ClinVar variation 313189 (VCV000313189.28), dbSNP rs142904668, ClinGen allele CA7168729.